The following is an entry in ClinVar:

NM_016507.4(CDK12):c.380A>T (p.Gln127Leu)

Genes: CDK12 (cyclin dependent kinase 12; plus strand), LOC126862553 (CDK7 strongly-dependent group 2 enhancer GRCh37_chr17:37618166-37619365; plus strand). Cytogenetic location: 17q12.
Variant type: single nucleotide variant.
Coding change: c.380A>T on transcript NM_016507.4 (MANE Select); coding-DNA position 380, A replaced by T.
Protein change: p.Gln127Leu; replaces glutamine 127 with leucine.
Molecular consequence: missense variant.
Genome position (GRCh38, 1-based): chr17:39,462,451, A>T. VCF-style: chr17-39462451-A-T. GRCh37 (hg19) VCF-style: chr17-37618704-A-T.
Other names: c.380A>T, p.Gln127Leu (NM_015083.4); short protein forms Q127L.
Identifiers: ClinVar variation 4651441 (VCV004651441.1).
Genomic context (GRCh38, chr17:39,462,451, plus strand): 5'-GCCTGCACAAACATCGTCACCACCAGCACAGGCGTTCCCGGGACTTACTAAAAGCTAAAC[A>T]GACCGAAAAAGAAAAAAGCCAAGAAGTCTCCAGCAAGTCGGGATCGATGAAGGACCGGAT-3'
Protein context (NP_057591.2, residues 117-137): RRSRDLLKAK[Gln127Leu]TEKEKSQEVS

ClinVar aggregate classification (germline): Uncertain significance (1 of 4 stars; one submission).

Submission:

Ambry Genetics
Classification: Uncertain significance. Last evaluated: 2025-11-11. Review status: criteria provided, single submitter. Criteria: Ambry Variant Classification Scheme 2023. Collection method: clinical testing. Allele origin: germline.
Comment: The p.Q127L variant (also known as c.380A>T), located in coding exon 1 of the CDK12 gene, results from an A to T substitution at nucleotide position 380. The glutamine at codon 127 is replaced by leucine, an amino acid with dissimilar properties. This amino acid position is conserved. In addition, this alteration is predicted to be tolerated by in silico analysis. Based on the available evidence, the clinical significance of this variant remains unclear.